The following is an entry in ClinVar:

NM_033124.5(DRC2):c.666G>A (p.Leu222=)

Gene: DRC2 (dynein regulatory complex subunit 2; plus strand). Cytogenetic location: 12q13.12.
Variant type: single nucleotide variant.
Coding change: c.666G>A on transcript NM_033124.5 (MANE Select); coding-DNA position 666, G replaced by A.
Protein change: p.Leu222=; no amino-acid change (leucine 222 retained).
Molecular consequence: synonymous variant.
Genome position (GRCh38, 1-based): chr12:48,918,331, G>A. VCF-style: chr12-48918331-G-A. GRCh37 (hg19) VCF-style: chr12-49312114-G-A.
Other names: c.237G>A, p.Leu79= (NM_001286957.2).
Identifiers: ClinVar variation 700077 (VCV000700077.35), dbSNP rs148437989, ClinGen allele CA6543306.

ClinVar aggregate classification (germline): Benign/Likely benign. Review status: criteria provided, multiple submitters, no conflicts (2 of 4 stars). 3 submissions from 3 submitters: Benign (2); Likely benign (1). Last evaluated 2025-11-18.

Conditions:
Primary ciliary dyskinesia 27. Also called: CILIARY DYSKINESIA, PRIMARY, 27, WITHOUT SITUS INVERSUS. Identifiers: Orphanet 244, MedGen C3809701, MONDO:0014215, OMIM 615504.

Allele frequency attached by ClinVar (database versions not stated): gnomAD exomes 0.00033; ExAC 0.00042; 1000 Genomes Project 30x 0.00109; 1000 Genomes Project 0.00120; gnomAD 0.00127 and 0.00140; TOPMed 0.00134; ESP Exome Variant Server 0.00154.
gnomAD v4.1: 373 of 1,614,222 alleles (0.023%); highest among the groups gnomAD compares: African/African-American, 0.45%; 1 homozygote.

Submissions (3):

Labcorp Genetics (formerly Invitae), Labcorp
Classification: Benign for Primary ciliary dyskinesia 27. Last evaluated: 2025-11-18. Review status: criteria provided, single submitter. Criteria: Invitae Variant Classification Sherloc (09022015). Collection method: clinical testing. Allele origin: germline.

CeGaT Center for Human Genetics Tuebingen
Classification: Likely benign. Last evaluated: 2022-09-01. Review status: criteria provided, single submitter. Criteria: CeGaT Center For Human Genetics Tuebingen Variant Classification Criteria Version 2. Collection method: clinical testing. Allele origin: germline. Affected: yes. Observed: 1 variant allele.
Comment: DRC2: BP4, BP7

Breakthrough Genomics
Classification: Benign. Review status: criteria provided, single submitter. Criteria: ACMG Guidelines, 2015. Collection method: not provided. Allele origin: germline. Inheritance: Autosomal recessive inheritance. Affected: yes.